The following is an entry in ClinVar:

ClinVar aggregate classification (germline): Uncertain significance (1 of 4 stars; one submission).

Conditions:
Treacher Collins syndrome 1 (TCS1). Also called: TCOF1-Related Treacher Collins Syndrome. Identifiers: Orphanet 861, MedGen CN315775, MONDO:0007944, OMIM 154500.

Allele frequency attached by ClinVar (database versions not stated): gnomAD exomes 0.00002 and 0.00006; TOPMed 0.00005; ExAC 0.00006.
gnomAD v4.1: 36 of 1,614,056 alleles (0.0022%); highest among the groups gnomAD compares: Admixed American, 0.023%; no homozygotes.

Submission:

Labcorp Genetics (formerly Invitae), Labcorp
Classification: Uncertain significance for Treacher Collins syndrome 1. Last evaluated: 2025-05-04. Review status: criteria provided, single submitter. Criteria: Invitae Variant Classification Sherloc (09022015). Collection method: clinical testing. Allele origin: germline.
Comment: This sequence change replaces alanine, which is neutral and non-polar, with threonine, which is neutral and polar, at codon 256 of the TCOF1 protein (p.Ala256Thr). This variant is present in population databases (rs753898877, gnomAD 0.03%), and has an allele count higher than expected for a pathogenic variant. This variant has not been reported in the literature in individuals affected with TCOF1-related conditions. ClinVar contains an entry for this variant (Variation ID: 1385894). An algorithm developed to predict the effect of missense changes on protein structure and function outputs the following: PolyPhen-2: "Benign". The threonine amino acid residue is found in multiple mammalian species, which suggests that this missense change does not adversely affect protein function. In summary, the available evidence is currently insufficient to determine the role of this variant in disease. Therefore, it has been classified as a Variant of Uncertain Significance.

NM_001371623.1(TCOF1):c.766G>A (p.Ala256Thr)

Gene: TCOF1 (treacle ribosome biogenesis factor 1; plus strand). Cytogenetic location: 5q32.
Variant type: single nucleotide variant.
Coding change: c.766G>A on transcript NM_001371623.1 (MANE Select); coding-DNA position 766, G replaced by A.
Protein change: p.Ala256Thr; replaces alanine 256 with threonine.
Molecular consequence: missense variant. On other transcripts: intron variant (2).
Genome position (GRCh38, 1-based): chr5:150,372,132, G>A. VCF-style: chr5-150372132-G-A. GRCh37 (hg19) VCF-style: chr5-149751695-G-A.
Other names: c.766G>A, p.Ala256Thr (NM_001008657.3, NM_001135243.2, NM_001135244.2 and 1 more transcripts); c.640-2042G>A (NM_001135245.2, NM_000356.4); short protein forms A256T.
Identifiers: ClinVar variation 1385894 (VCV001385894.6), dbSNP rs753898877, ClinGen allele CA3510661.